The following is an entry in ClinVar:

NM_000270.4(PNP):c.701G>C (p.Arg234Pro)

Gene: PNP (purine nucleoside phosphorylase; plus strand). Cytogenetic location: 14q11.2.
Variant type: single nucleotide variant.
Coding change: c.701G>C on transcript NM_000270.4 (MANE Select); coding-DNA position 701, G replaced by C.
Protein change: p.Arg234Pro; replaces arginine 234 with proline.
Molecular consequence: missense variant.
Genome position (GRCh38, 1-based): chr14:20,476,432, G>C. VCF-style: chr14-20476432-G-C. GRCh37 (hg19) VCF-style: chr14-20944591-G-C.
Other names: short protein forms R234P.
Identifiers: ClinVar variation 13991 (VCV000013991.24), dbSNP rs104894451, ClinGen allele CA123675.

ClinVar aggregate classification (germline): Pathogenic/Likely pathogenic. Review status: criteria provided, multiple submitters, no conflicts (2 of 4 stars). 7 submissions from 7 submitters: Pathogenic (4); Likely pathogenic (2). 1 of the submissions does not count toward it. Last evaluated 2026-02-01.

Conditions:
PNP-related disorder. Also called: PNP-related condition.
Severe combined immunodeficiency disease. Also called: Severe combined immunodeficiency; Severe Combined Immune Deficiency. Identifiers: Orphanet 183660, MedGen C0085110, MeSH D016511, MONDO:0015974, HP:0004430. Inheritance: X-Linked or Autosomal recessive.
Purine-nucleoside phosphorylase deficiency. Also called: Immunodeficiency due to purine nucleoside phosphorylase deficiency; NUCLEOSIDE PHOSPHORYLASE DEFICIENCY. Identifiers: Orphanet 760, MedGen C0268125, MONDO:0013171, OMIM 613179.

Allele frequency attached by ClinVar (database versions not stated): gnomAD 0.00006; TOPMed 0.00009.
gnomAD v4.1: 269 of 1,614,088 alleles (0.017%); highest among the groups gnomAD compares: Non-Finnish European, 0.022%; no homozygotes.

Submissions (7):

Labcorp Genetics (formerly Invitae), Labcorp
Classification: Pathogenic for Purine-nucleoside phosphorylase deficiency. Last evaluated: 2026-02-01. Review status: criteria provided, single submitter. Criteria: Invitae Variant Classification Sherloc (09022015). Collection method: clinical testing. Allele origin: germline.
Comment: This sequence change replaces arginine, which is basic and polar, with proline, which is neutral and non-polar, at codon 234 of the PNP protein (p.Arg234Pro). This variant is present in population databases (rs104894451, gnomAD 0.01%). This missense change has been observed in individuals with purine nucleoside phosphorylase deficiency, all of whom also carried a second rare variant in the PNP gene (PMID: 1384322, 9067751, 22132981). ClinVar contains an entry for this variant (Variation ID: 13991). Invitae Evidence Modeling of protein sequence and biophysical properties (such as structural, functional, and spatial information, amino acid conservation, physicochemical variation, residue mobility, and thermodynamic stability) indicates that this missense variant is not expected to disrupt PNP protein function with a negative predictive value of 80%. Experimental studies have shown that this missense change affects PNP function (PMID: 1384322). For these reasons, this variant has been classified as Pathogenic.

GeneDx
Classification: Likely pathogenic. Last evaluated: 2024-12-27. Review status: criteria provided, single submitter. Criteria: GeneDx Variant Classification Process June 2021. Collection method: clinical testing. Allele origin: germline. Affected: yes.
Comment: Has been reported previously in association with PNP deficiency in unrelated individuals who harbored the R234P variant and second variant in this gene, although it is not clear whether phase was confirmed in some cases (PMID: 9067751, 1384322, 22132981); Published functional studies demonstrate that cells transfected with this variant have no detectable PNP enzymatic activity (PMID: 1384322); In silico analysis supports that this missense variant has a deleterious effect on protein structure/function; This variant is associated with the following publications: (PMID: 31589614, 35641516, 9067751, 1384322, 22132981, 34711244)

Blueprint Genetics
Classification: Pathogenic for PNP-related disorders. Last evaluated: 2024-11-18. Review status: criteria provided, single submitter. Criteria: ACMG Guidelines, 2015. Collection method: clinical testing. Allele origin: germline. Affected: yes. Observed: 5 variant alleles.

Women's Health and Genetics/Laboratory Corporation of America, LabCorp
Classification: Pathogenic for Severe combined immunodeficiency disease. Last evaluated: 2022-09-18. Review status: criteria provided, single submitter. Criteria: LabCorp Variant Classification Summary - May 2015. Collection method: clinical testing. Allele origin: germline.
Comment: Variant summary: PNP c.701G>C (p.Arg234Pro) results in a non-conservative amino acid change located in the Nucleoside phosphorylase domain (IPR000845) of the encoded protein sequence. Five of five in-silico tools predict a damaging effect of the variant on protein function. The variant allele was found at a frequency of 8e-05 in 251482 control chromosomes (gnomAD). This frequency is not significantly higher than expected for a pathogenic variant in PNP causing Severe Combined Immunodeficiency (8e-05 vs 0.00035), allowing no conclusion about variant significance. c.701G>C has been reported in the literature as a biallelic genotype in individuals affected with Purine nucleoside phosphorylase deficiency (Aust_1992, Markert_1997, Walker_2011). These data indicate that the variant is likely to be associated with disease. The variant protein showed no enzymatic activity when transfected into COS cells, matching levels seen with anti-sense transfected negative controls (Aust_1992). Four ClinVar submitters have assessed the variant since 2014: two classified the variant as likely pathogenic, and two as pathogenic. Based on the evidence outlined above, the variant was classified as pathogenic.

Revvity Omics, Revvity
Classification: Likely pathogenic for Purine-nucleoside phosphorylase deficiency. Last evaluated: 2021-04-21. Review status: criteria provided, single submitter. Criteria: ACMG Guidelines, 2015. Collection method: clinical testing. Allele origin: germline.

Illumina Laboratory Services, Illumina
Classification: Pathogenic for Purine-nucleoside phosphorylase deficiency. Last evaluated: 2018-10-18. Review status: criteria provided, single submitter. Criteria: ICSL Variant Classification Criteria 09 May 2019. Collection method: clinical testing. Allele origin: germline.
Comment: The c.702G>C (p.Arg234Pro) missense variant has been reported in three studies in which it was found in a total of five individuals with purine nucleoside phosphorylase (PNP) deficiency, including in four individuals in a compound heterozygous state and in one individual in a heterozygous state in whom a second variant identified was not identified (Aust et al. 1992; Markert et al. 1997; Walker et al. 2011). Control data are unavailable for this variant, which is reported at a frequency of 0.00002 in the European (non-Finnish) population of the Exome Aggregation Consortium. Transfection of the variant protein into COS cells demonstrated that the variant resulted in no detectable PNP activity (Aust et al. 1992). Based on the evidence, the p.Arg234Pro variant is classified as pathogenic for purine nucleoside phosphorylase deficiency. This variant was observed by ICSL as part of a predisposition screen in an ostensibly healthy population.

OMIM
Classification: Pathogenic for NUCLEOSIDE PHOSPHORYLASE DEFICIENCY. Last evaluated: 1992-10-01. Review status: no assertion criteria provided. Collection method: literature only. Allele origin: germline. Not counted in ClinVar's aggregate classification.

Literature cited by the submitters: PubMed 1384322 (cited by 4 submitters); PubMed 9067751 (cited by 3 submitters); PubMed 22132981 (cited by 3 submitters); Markert, M. L. Personal Communication. 1992. Durham, N. C. (cited by OMIM).